The following is an entry in ClinVar:

ClinVar aggregate classification (germline): Uncertain significance. Review status: criteria provided, multiple submitters, no conflicts (2 of 4 stars). 5 submissions from 5 submitters: Uncertain significance (4). 1 of the submissions does not count toward it. Last evaluated 2025-09-03.

Conditions:
Inborn genetic diseases. Identifiers: MedGen C0950123, MeSH D030342.
Intellectual disability. Also called: Intellectual developmental disorder; intellectual disabilities; Intellectual functioning disability. Identifiers: MedGen C3714756, MeSH D008607, MONDO:0001071, HP:0001249.

Allele frequency attached by ClinVar (database versions not stated): gnomAD 0.00005; TOPMed 0.00009.
gnomAD v4.1: 65 of 1,612,054 alleles (0.004%); highest among the groups gnomAD compares: Admixed American, 0.03%; no homozygotes.

Submissions (5):

Labcorp Genetics (formerly Invitae), Labcorp
Classification: Uncertain significance. Last evaluated: 2025-09-03. Review status: criteria provided, single submitter. Criteria: Invitae Variant Classification Sherloc (09022015). Collection method: clinical testing. Allele origin: germline.
Comment: This sequence change replaces phenylalanine, which is neutral and non-polar, with leucine, which is neutral and non-polar, at codon 1093 of the ANK3 protein (p.Phe1093Leu). This variant is present in population databases (rs562083248, gnomAD 0.03%). This variant has not been reported in the literature in individuals affected with ANK3-related conditions. ClinVar contains an entry for this variant (Variation ID: 975634). Invitae Evidence Modeling of protein sequence and biophysical properties (such as structural, functional, and spatial information, amino acid conservation, physicochemical variation, residue mobility, and thermodynamic stability) indicates that this missense variant is not expected to disrupt ANK3 protein function with a negative predictive value of 80%. In summary, the available evidence is currently insufficient to determine the role of this variant in disease. Therefore, it has been classified as a Variant of Uncertain Significance.

CeGaT Center for Human Genetics Tuebingen
Classification: Uncertain significance. Last evaluated: 2023-08-01. Review status: criteria provided, single submitter. Criteria: CeGaT Center For Human Genetics Tuebingen Variant Classification Criteria Version 2. Collection method: clinical testing. Allele origin: germline. Affected: yes. Observed: 1 variant allele.
Comment: ANK3: PM2

Ambry Genetics
Classification: Uncertain significance for Inborn genetic diseases. Last evaluated: 2022-05-27. Review status: criteria provided, single submitter. Criteria: Ambry Variant Classification Scheme 2023. Collection method: clinical testing. Allele origin: germline.

Breakthrough Genomics
Classification: Uncertain significance. Review status: criteria provided, single submitter. Criteria: ACMG Guidelines, 2015. Collection method: not provided. Allele origin: germline. Inheritance: Autosomal recessive inheritance. Affected: yes.

Centre de Biologie Pathologie Génétique, Centre Hospitalier Universitaire de Lille
Classification: Likely benign for Intellectual disability. Last evaluated: 2019-01-01. Review status: no assertion criteria provided. Collection method: clinical testing. Allele origin: inherited. Affected: yes. Not counted in ClinVar's aggregate classification.

NM_020987.5(ANK3):c.3279T>A (p.Phe1093Leu)

Gene: ANK3 (ankyrin 3; minus strand). Cytogenetic location: 10q21.2.
Variant type: single nucleotide variant.
Coding change: c.3279T>A on transcript NM_020987.5 (MANE Select); coding-DNA position 3279, T replaced by A.
Protein change: p.Phe1093Leu; replaces phenylalanine 1093 with leucine.
Molecular consequence: missense variant.
Genome position (GRCh38, 1-based): chr10:60,105,954, A>T on the plus strand (T>A on the coding strand, the complement: ANK3 is on the minus strand). VCF-style: chr10-60105954-A-T. GRCh37 (hg19) VCF-style: chr10-61865712-A-T.
Other names: c.3279T>A (NM_020987.3); c.681T>A, p.Phe227Leu (NM_001149.4); c.3261T>A, p.Phe1087Leu (NM_001204403.2); c.3282T>A, p.Phe1094Leu (NM_001204404.2); c.3279T>A, p.Phe1093Leu (NM_001320874.2); short protein forms F1087L, F1093L, F1094L, F227L.
Identifiers: ClinVar variation 975634 (VCV000975634.32), dbSNP rs562083248, ClinGen allele CA5512519.